The following is an entry in ClinVar:

NM_020822.3(KCNT1):c.108del (p.Arg37fs)

Gene: KCNT1 (potassium sodium-activated channel subfamily T member 1; plus strand). Cytogenetic location: 9q34.3.
Variant type: Deletion.
Coding change: c.108del on transcript NM_020822.3 (MANE Select); coding-DNA position 108, one base deleted (C; older notation c.108delC).
Protein change: p.Arg37fs; shifts the reading frame from arginine 37.
Molecular consequence: frameshift variant.
Genome position (GRCh38, 1-based): chr9:135,702,366, C deleted; the last of 5 consecutive C bases (chr9:135,702,362-135,702,366); deleting any one gives the same sequence. VCF-style (leftmost placement, unchanged base first): chr9-135702361-GC-G. GRCh37 (hg19) VCF-style: chr9-138594207-GC-G.
Other names: c.108del, p.Arg37fs (NM_001272003.2); c.104del (NM_020822.3); short protein forms R37fs.
Identifiers: ClinVar variation 1802577 (VCV001802577.1), dbSNP rs745979475, ClinGen allele CA2580080054.

ClinVar aggregate classification (germline): Conflicting classifications of pathogenicity. Review status: criteria provided, conflicting classifications (1 of 4 stars). 2 submissions from 2 submitters: Likely pathogenic (1); Uncertain significance (1). Last evaluated 2022-11-29.

Conditions:
Developmental and epileptic encephalopathy, 14 (DEE14). Also called: Early infantile epileptic encephalopathy 14. Identifiers: Orphanet 293181, MedGen C3554195, MONDO:0013989, OMIM 614959.

Submissions (2):

Laboratory of Medical Genetics, University of Torino
Classification: Uncertain significance for Developmental and epileptic encephalopathy, 14. Last evaluated: 2022-11-29. Review status: criteria provided, single submitter. Criteria: ACMG Guidelines, 2015. Collection method: research. Allele origin: germline. Affected: yes. Study: NeuroWES.

Neuberg Centre For Genomic Medicine, NCGM
Classification: Likely pathogenic for Developmental and epileptic encephalopathy, 14. Review status: criteria provided, single submitter. Criteria: ACMG Guidelines, 2015. Collection method: clinical testing. Allele origin: germline. Inheritance: Autosomal dominant inheritance. Affected: yes.
Comment: The frame shift c.108del (p.Arg37GlyfsTer18) variant in KCNT1 gene has not been reported previously as a pathogenic variant nor as a benign variant, to our knowledge. The variant is novel (not in any individuals) in gnomAD Exomes and 1000 Genomes. This variant causes a frameshift starting with codon Arginine 37, changes this amino acid to Glycine residue, and creates a premature Stop codon at position 18 of the new reading frame, denoted p.Arg37GlyfsTer18. This variant is predicted to cause loss of normal protein function through protein truncation. Loss of function variants have been previously reported to be disease causing. For these reasons, this variant has been classified as Likely Pathogenic.